The following is an entry in ClinVar:

NM_000142.5(FGFR3):c.1959+22G>A

Gene: FGFR3 (fibroblast growth factor receptor 3; plus strand). Cytogenetic location: 4p16.3.
Variant type: single nucleotide variant.
Coding change: c.1959+22G>A on transcript NM_000142.5 (MANE Select); 22 bases into the intron after coding-DNA position 1959, G replaced by A.
Molecular consequence: intron variant.
Genome position (GRCh38, 1-based): chr4:1,806,195, G>A. VCF-style: chr4-1806195-G-A. GRCh37 (hg19) VCF-style: chr4-1807922-G-A.
Other names: c.1965+22G>A (NM_001163213.2); c.1962+22G>A (NM_001354809.2, NM_001354810.2); c.1623+22G>A (NM_022965.4).
Identifiers: ClinVar variation 255335 (VCV000255335.7), dbSNP rs3135898, ClinGen allele CA2810642.
Genomic context (GRCh38, chr4:1,806,195, plus strand): 5'-GACGTGCACAACCTCGACTACTACAAGAAGACGACCAACGTGAGCCCGGCCCTGGGGTGC[G>A]GGGGTGGGGGTCATGCCAGTAGGACGCCTGGCGCCAACACCGCCTTCCCACACCCTCCCA-3'

ClinVar aggregate classification (germline): Benign. Review status: criteria provided, multiple submitters, no conflicts (2 of 4 stars). 6 submissions from 6 submitters: Benign (4). 2 of the submissions do not count toward it. Last evaluated 2026-06-23.

Conditions:
FGFR3-related chondrodysplasia. Identifiers: Orphanet 93420, MedGen C5681604, MONDO:0019685.

Allele frequency attached by ClinVar (database versions not stated): 1000 Genomes Project 30x 0.02217; 1000 Genomes Project 0.02117; TOPMed 0.02314; ExAC 0.02890; gnomAD exomes 0.03066; ESP Exome Variant Server 0.01346; gnomAD 0.01743 and 0.01853.
gnomAD v4.1: 31,728 of 1,611,346 alleles (2%); highest among the groups gnomAD compares: Admixed American, 8.4%; 571 homozygotes.

Submissions (6):

Genomenon, Inc
Classification: Benign for FGFR3-related chondrodysplasia. Last evaluated: 2026-06-23. Review status: criteria provided, single submitter. Criteria: Genomenon Sequence Variant Interpretation Standards - Updated. Collection method: curation. Allele origin: germline. Affected: no.
Comment: FGFR3 c.1959+22G>A is an intronic variant located in intron 14. This variant is present at high allele frequency in population databases. We classify FGFR3 c.1959+22G>A as a benign variant.

GeneDx
Classification: Benign. Last evaluated: 2018-06-14. Review status: criteria provided, single submitter. Criteria: GeneDx Variant Classification (06012015). Collection method: clinical testing. Allele origin: germline. Affected: yes.
Comment: This variant is considered likely benign or benign based on one or more of the following criteria: it is a conservative change, it occurs at a poorly conserved position in the protein, it is predicted to be benign by multiple in silico algorithms, and/or has population frequency not consistent with disease.

Breakthrough Genomics
Classification: Benign. Review status: criteria provided, single submitter. Criteria: ACMG Guidelines, 2015. Collection method: not provided. Allele origin: germline. Inheritance: Autosomal dominant inheritance. Affected: yes.

PreventionGenetics, part of Exact Sciences
Classification: Benign. Review status: criteria provided, single submitter. Criteria: ACMG Guidelines, 2015. Collection method: clinical testing. Allele origin: germline.

Clinical Genetics DNA and cytogenetics Diagnostics Lab, Erasmus MC, Erasmus Medical Center
Classification: Benign. Review status: no assertion criteria provided. Collection method: clinical testing. Allele origin: germline. Affected: yes. Study: VKGL Data-share Consensus. Not counted in ClinVar's aggregate classification.

Joint Genome Diagnostic Labs from Nijmegen and Maastricht, Radboudumc and MUMC+
Classification: Benign. Review status: no assertion criteria provided. Collection method: clinical testing. Allele origin: germline. Affected: yes. Study: VKGL Data-share Consensus. Not counted in ClinVar's aggregate classification.